The following is an entry in ClinVar:

NM_000199.5(SGSH):c.886G>T (p.Val296Leu)

Gene: SGSH (N-sulfoglucosamine sulfohydrolase; minus strand). Cytogenetic location: 17q25.3.
Variant type: single nucleotide variant.
Coding change: c.886G>T on transcript NM_000199.5 (MANE Select); coding-DNA position 886, G replaced by T.
Protein change: p.Val296Leu; replaces valine 296 with leucine.
Molecular consequence: missense variant. On other transcripts: non-coding transcript variant (1).
Genome position (GRCh38, 1-based): chr17:80,212,134, C>A on the plus strand (G>T on the coding strand, the complement: SGSH is on the minus strand). VCF-style: chr17-80212134-C-A. GRCh37 (hg19) VCF-style: chr17-78185933-C-A.
Other names: c.886G>T, p.Val296Leu (NM_001352921.3, NM_001352922.2); short protein forms V296L.
Identifiers: ClinVar variation 1387040 (VCV001387040.6), dbSNP rs1189287474, ClinGen allele CA401359736.

ClinVar aggregate classification (germline): Uncertain significance (1 of 4 stars; one submission).

Conditions:
Mucopolysaccharidosis, MPS-III-A (MPS3A). Also called: Mucopolysaccharidosis, type IIIA; mucopolysaccharidosis type 3A; MPS IIIA (Sanfilippo Syndrome Type A); HEPARAN SULFATE SULFATASE DEFICIENCY; Mucopolysaccharidosis type IIIA (Sanfilippo A); SANFILIPPO SYNDROME A. Identifiers: Orphanet 581, Orphanet 79269, MedGen C0086647, MONDO:0009655, OMIM 252900.

Allele frequency attached by ClinVar (database versions not stated): gnomAD 0.00001.
gnomAD v4.1: 1 of 1,613,478 alleles (0.000062%); highest among the groups gnomAD compares: African/African-American, 0.0013%; no homozygotes.

Submission:

Labcorp Genetics (formerly Invitae), Labcorp
Classification: Uncertain significance for Mucopolysaccharidosis, MPS-III-A. Last evaluated: 2021-12-03. Review status: criteria provided, single submitter. Criteria: Invitae Variant Classification Sherloc (09022015). Collection method: clinical testing. Allele origin: germline.
Comment: In summary, the available evidence is currently insufficient to determine the role of this variant in disease. Therefore, it has been classified as a Variant of Uncertain Significance. Algorithms developed to predict the effect of missense changes on protein structure and function output the following: SIFT: "Deleterious"; PolyPhen-2: "Benign"; Align-GVGD: "Class C0". The leucine amino acid residue is found in multiple mammalian species, which suggests that this missense change does not adversely affect protein function. This variant has not been reported in the literature in individuals affected with SGSH-related conditions. This variant is not present in population databases (gnomAD no frequency). This sequence change replaces valine, which is neutral and non-polar, with leucine, which is neutral and non-polar, at codon 296 of the SGSH protein (p.Val296Leu).